The following is an entry in ClinVar:

NM_006790.3(MYOT):c.407C>G (p.Thr136Ser)

Genes: PKD2L2-DT (PKD2L2 divergent transcript; minus strand), MYOT (myotilin; plus strand). Cytogenetic location: 5q31.2.
Variant type: single nucleotide variant.
Coding change: c.407C>G on transcript NM_006790.3 (MANE Select); coding-DNA position 407, C replaced by G.
Protein change: p.Thr136Ser; replaces threonine 136 with serine.
Molecular consequence: missense variant. On other transcripts: 5 prime UTR variant (1).
Genome position (GRCh38, 1-based): chr5:137,875,879, C>G. VCF-style: chr5-137875879-C-G. GRCh37 (hg19) VCF-style: chr5-137211568-C-G.
Other names: c.-146C>G (NM_001135940.2); c.62C>G, p.Thr21Ser (NM_001300911.2); short protein forms T136S, T21S.
Identifiers: ClinVar variation 3649540 (VCV003649540.2).

ClinVar aggregate classification (germline): Uncertain significance (1 of 4 stars; one submission).

Conditions:
Myofibrillar myopathy 3 (MFM3). Also called: Muscular dystrophy, proximal, type 1A; Autosomal dominant spheroid body myopathy. Identifiers: Orphanet 266, Orphanet 268129, MedGen C3714934, MONDO:0012215, OMIM 609200.

Submission:

Labcorp Genetics (formerly Invitae), Labcorp
Classification: Uncertain significance for Myofibrillar myopathy 3. Last evaluated: 2024-04-16. Review status: criteria provided, single submitter. Criteria: Invitae Variant Classification Sherloc (09022015). Collection method: clinical testing. Allele origin: germline.
Comment: This sequence change replaces threonine, which is neutral and polar, with serine, which is neutral and polar, at codon 136 of the MYOT protein (p.Thr136Ser). This variant is not present in population databases (gnomAD no frequency). This variant has not been reported in the literature in individuals affected with MYOT-related conditions. Algorithms developed to predict the effect of missense changes on protein structure and function output the following: SIFT: "Not Available"; PolyPhen-2: "Benign"; Align-GVGD: "Not Available". The serine amino acid residue is found in multiple mammalian species, which suggests that this missense change does not adversely affect protein function. In summary, the available evidence is currently insufficient to determine the role of this variant in disease. Therefore, it has been classified as a Variant of Uncertain Significance.